The following is an entry in ClinVar:

NM_007294.4(BRCA1):c.4987-40G>C

Gene: BRCA1 (BRCA1 DNA repair associated; minus strand). Cytogenetic location: 17q21.31.
Variant type: single nucleotide variant.
Coding change: c.4987-40G>C on transcript NM_007294.4 (MANE Select); 40 bases into the intron before coding-DNA position 4987, G replaced by C.
Molecular consequence: intron variant.
Genome position (GRCh38, 1-based): chr17:43,067,735, C>G on the plus strand (G>C on the coding strand, the complement: BRCA1 is on the minus strand). VCF-style: chr17-43067735-C-G. GRCh37 (hg19) VCF-style: chr17-41219752-C-G.
Other names: IVS16-40G>C; c.1534-40G>C (NM_001408458.1, NM_001408461.1, NM_001408464.1 and 7 more transcripts); c.4096-40G>C (NM_001407967.1); c.4606-40G>C (NM_001407959.1); c.4720-40G>C (NM_001407931.1, NM_001407932.1, NM_001407928.1 and 4 more transcripts); c.4843-40G>C (NM_001407747.1, NM_001407745.1, NM_001407737.1 and 21 more transcripts); c.4603-40G>C (NM_001407962.1, NM_001407960.1); c.1174-40G>C (NM_001408512.1); and 72 more.
Identifiers: ClinVar variation 125743 (VCV000125743.4), dbSNP rs80358056, ClinGen allele CA003134.

ClinVar aggregate classification (germline): Uncertain significance. Review status: no assertion criteria provided (0 of 4 stars). 2 submissions from 2 submitters: Uncertain significance (2). Last evaluated 2023-09-01.

Conditions:
Breast-ovarian cancer, familial, susceptibility to, 1 (BROVCA1). Also called: BRCA1 Hereditary Breast and Ovarian Cancer; OVARIAN CANCER, SUSCEPTIBILITY TO. Identifiers: Orphanet 145, MedGen C2676676, MONDO:0011450, OMIM 604370. Disease mechanism: loss of function.

Submissions (2):

Department of Medical and Surgical Sciences, University of Bologna
Classification: Uncertain significance for Breast-ovarian cancer, familial, susceptibility to, 1. Last evaluated: 2023-09-01. Review status: no assertion criteria provided. Collection method: clinical testing. Allele origin: germline. Affected: yes.
Comment: PM2(Supporting)+BP4(Supporting)+BP7(Supporting) according to ACMG/AMP classification guidelines specified for BRCA1 & BRCA2 (Classification Criteria V1.0.0 2023-09-08) (PMID: 38160042)

Breast Cancer Information Core (BIC) (BRCA1)
Classification: Uncertain significance for Breast-ovarian cancer, familial 1. Last evaluated: 1999-04-12. Review status: no assertion criteria provided. Collection method: clinical testing. Allele origin: germline. Affected: yes. Observed: 1 variant allele.